The following is an entry in ClinVar:

ClinVar aggregate classification (germline): Uncertain significance (1 of 4 stars; one submission).

Allele frequency attached by ClinVar (database versions not stated): ExAC 0.00003; TOPMed below 0.00001; gnomAD exomes 0.00001; ESP Exome Variant Server 0.00008.
gnomAD v4.1: 14 of 1,611,184 alleles (0.00087%); highest among the groups gnomAD compares: East Asian, 0.0045%; no homozygotes.

Submission:

Labcorp Genetics (formerly Invitae), Labcorp
Classification: Uncertain significance. Last evaluated: 2025-12-29. Review status: criteria provided, single submitter. Criteria: Invitae Variant Classification Sherloc (09022015). Collection method: clinical testing. Allele origin: germline.
Comment: This sequence change falls in intron 18 of the COL2A1 gene. It does not directly change the encoded amino acid sequence of the COL2A1 protein. It affects a nucleotide within the consensus splice site. The frequency data for this variant in the population databases is considered unreliable, as metrics indicate poor data quality at this position in the gnomAD database. This variant has not been reported in the literature in individuals affected with COL2A1-related conditions. ClinVar contains an entry for this variant (Variation ID: 1356540). Variants that disrupt the consensus splice site are a relatively common cause of aberrant splicing (PMID: 17576681, 9536098). Algorithms developed to predict the effect of sequence changes on RNA splicing suggest that this variant is not likely to affect RNA splicing. In summary, the available evidence is currently insufficient to determine the role of this variant in disease. Therefore, it has been classified as a Variant of Uncertain Significance.

Literature cited by the submitters: PubMed 17576681; PubMed 9536098.

NM_001844.5(COL2A1):c.1122+5G>A

Gene: COL2A1 (collagen type II alpha 1 chain; minus strand). Cytogenetic location: 12q13.11.
Variant type: single nucleotide variant.
Coding change: c.1122+5G>A on transcript NM_001844.5 (MANE Select); 5 bases into the intron after coding-DNA position 1122, G replaced by A.
Molecular consequence: intron variant.
Genome position (GRCh38, 1-based): chr12:47,989,223, C>T on the plus strand (G>A on the coding strand, the complement: COL2A1 is on the minus strand). VCF-style: chr12-47989223-C-T. GRCh37 (hg19) VCF-style: chr12-48383006-C-T.
Other names: c.915+5G>A (NM_033150.3).
Identifiers: ClinVar variation 1356540 (VCV001356540.6), dbSNP rs374697271, ClinGen allele CA6535607.